The following is an entry in ClinVar:

ClinVar aggregate classification (germline): Benign/Likely benign. Review status: criteria provided, multiple submitters, no conflicts (2 of 4 stars). 2 submissions from 2 submitters: Benign (1); Likely benign (1). Last evaluated 2026-04-24.

Conditions:
FUS-related disorder. Also called: FUS-related condition.
Amyotrophic lateral sclerosis type 6. Also called: Amyotrophic lateral sclerosis 6, with or without frontotemporal dementia; FUS-Related Amyotrophic Laterial Sclerosis; AMYOTROPHIC LATERAL SCLEROSIS 6 WITHOUT FRONTOTEMPORAL DEMENTIA. Identifiers: Orphanet 275872, Orphanet 803, MedGen C2931786, MONDO:0011951, OMIM 608030.

Allele frequency attached by ClinVar (database versions not stated): gnomAD 0.00002 and 0.00006; TOPMed 0.00002; gnomAD exomes 0.00008 and 0.00015; 1000 Genomes Project 30x 0.00016; ExAC 0.00017; 1000 Genomes Project 0.00020.
gnomAD v4.1: 125 of 1,612,696 alleles (0.0078%); highest among the groups gnomAD compares: South Asian, 0.11%; no homozygotes.

Submissions (2):

PreventionGenetics, part of Exact Sciences
Classification: Likely benign for FUS-related condition. Last evaluated: 2026-04-24. Review status: criteria provided, single submitter. Criteria: ACMG Guidelines, 2015. Collection method: clinical testing. Allele origin: germline.
Comment: This variant is classified as likely benign based on ACMG/AMP sequence variant interpretation guidelines (Richards et al. 2015 PMID: 25741868, with internal and published modifications).

Illumina Laboratory Services, Illumina
Classification: Benign for Amyotrophic lateral sclerosis type 6. Last evaluated: 2017-04-28. Review status: criteria provided, single submitter. Criteria: ICSL Variant Classification Criteria 13 December 2019. Collection method: clinical testing. Allele origin: germline.
Comment: This variant was observed as part of a predisposition screen in an ostensibly healthy population. A literature search was performed for the gene, cDNA change, and amino acid change (where applicable). Publications were found based on this search. The evidence from the literature, in combination with allele frequency data from public databases where available, was sufficient to rule this variant out of causing disease. Therefore, this variant is classified as benign.

Literature cited by the submitters: PubMed 19741215 (cited by Illumina Laboratory Services, Illumina).

NM_004960.4(FUS):c.*10C>T

Gene: FUS (FUS RNA binding protein; plus strand). Cytogenetic location: 16p11.2.
Variant type: single nucleotide variant.
Coding change: c.*10C>T on transcript NM_004960.4 (MANE Select); 10 bases downstream of the stop codon, C replaced by T.
Molecular consequence: 3 prime UTR variant. On other transcripts: non-coding transcript variant (1).
Genome position (GRCh38, 1-based): chr16:31,191,448, C>T. VCF-style: chr16-31191448-C-T. GRCh37 (hg19) VCF-style: chr16-31202769-C-T.
Other names: c.*10C>T (NM_001170634.1, NM_001170937.1).
Identifiers: ClinVar variation 886475 (VCV000886475.5), dbSNP rs529269129, ClinGen allele CA8024124.